The following is an entry in ClinVar:

NM_001792.5(CDH2):c.1744A>G (p.Ile582Val)

Gene: CDH2 (cadherin 2; minus strand). Cytogenetic location: 18q12.1.
Variant type: single nucleotide variant.
Coding change: c.1744A>G on transcript NM_001792.5 (MANE Select); coding-DNA position 1744, A replaced by G.
Protein change: p.Ile582Val; replaces isoleucine 582 with valine.
Molecular consequence: missense variant.
Genome position (GRCh38, 1-based): chr18:27,985,759, T>C on the plus strand (A>G on the coding strand, the complement: CDH2 is on the minus strand). VCF-style: chr18-27985759-T-C. GRCh37 (hg19) VCF-style: chr18-25565723-T-C.
Other names: c.1651A>G, p.Ile551Val (NM_001308176.2); short protein forms I551V, I582V.
Identifiers: ClinVar variation 3830104 (VCV003830104.1).

ClinVar aggregate classification (germline): Uncertain significance (1 of 4 stars; one submission).

Conditions:
Inborn genetic diseases. Identifiers: MedGen C0950123, MeSH D030342.

Submission:

Ambry Genetics
Classification: Uncertain significance for Inborn genetic diseases. Last evaluated: 2025-03-02. Review status: criteria provided, single submitter. Criteria: Ambry Variant Classification Scheme 2023. Collection method: clinical testing. Allele origin: germline.
Comment: The p.I582V variant (also known as c.1744A>G), located in coding exon 12 of the CDH2 gene, results from an A to G substitution at nucleotide position 1744. The isoleucine at codon 582 is replaced by valine, an amino acid with highly similar properties. This amino acid position is conserved. In addition, this alteration is predicted to be tolerated by in silico analysis. Based on the available evidence, the clinical significance of this variant remains unclear.